The following is an entry in ClinVar:

ClinVar aggregate classification (germline): Uncertain significance. Review status: criteria provided, multiple submitters, no conflicts (2 of 4 stars). 2 submissions from 2 submitters: Uncertain significance (2). Last evaluated 2026-07-16.

Conditions:
Hereditary cancer-predisposing syndrome. Also called: Neoplastic Syndromes, Hereditary; Hereditary Cancer Syndrome; Hereditary neoplastic syndrome; Tumor predisposition. Identifiers: Orphanet 140162, MedGen C0027672, MeSH D009386, MONDO:0015356.
Renal cell carcinoma. Identifiers: Orphanet 217071, MedGen C0007134, MeSH D002292, MONDO:0005086, HP:0005584.

Submissions (2):

Ambry Genetics
Classification: Uncertain significance for Hereditary cancer-predisposing syndrome. Last evaluated: 2026-07-16. Review status: criteria provided, single submitter. Criteria: Ambry Variant Classification Scheme 2023. Collection method: clinical testing. Allele origin: germline.
Comment: The p.G1103E variant (also known as c.3308G>A), located in coding exon 14 of the MET gene, results from a G to A substitution at nucleotide position 3308. The glycine at codon 1103 is replaced by glutamic acid, an amino acid with similar properties. This amino acid position is highly conserved in available vertebrate species. In addition, this alteration is predicted to be deleterious by in silico analysis. Based on the available evidence, the clinical significance of this variant remains unclear.

Labcorp Genetics (formerly Invitae), Labcorp
Classification: Uncertain significance for Renal cell carcinoma. Last evaluated: 2025-09-10. Review status: criteria provided, single submitter. Criteria: Invitae Variant Classification Sherloc (09022015). Collection method: clinical testing. Allele origin: germline.
Comment: This sequence change replaces glycine, which is neutral and non-polar, with glutamic acid, which is acidic and polar, at codon 1103 of the MET protein (p.Gly1103Glu). This variant is not present in population databases (gnomAD no frequency). This variant has not been reported in the literature in individuals affected with MET-related conditions. ClinVar contains an entry for this variant (Variation ID: 577729). Invitae Evidence Modeling of protein sequence and biophysical properties (such as structural, functional, and spatial information, amino acid conservation, physicochemical variation, residue mobility, and thermodynamic stability) indicates that this missense variant is expected to disrupt MET protein function with a positive predictive value of 80%. In summary, the available evidence is currently insufficient to determine the role of this variant in disease. Therefore, it has been classified as a Variant of Uncertain Significance.

NM_000245.4(MET):c.3254G>A (p.Gly1085Glu)

Gene: MET (MET proto-oncogene, receptor tyrosine kinase; plus strand). Cytogenetic location: 7q31.2.
Variant type: single nucleotide variant.
Coding change: c.3254G>A on transcript NM_000245.4 (MANE Select); coding-DNA position 3254, G replaced by A.
Protein change: p.Gly1085Glu; replaces glycine 1085 with glutamic acid.
Molecular consequence: missense variant.
Genome position (GRCh38, 1-based): chr7:116,775,106, G>A. VCF-style: chr7-116775106-G-A. GRCh37 (hg19) VCF-style: chr7-116415160-G-A.
Other names: c.3308G>A (LRG_662t1); c.3308G>A, p.Gly1103Glu (NM_001127500.3); c.1964G>A, p.Gly655Glu (NM_001324402.2); short protein forms G1103E, G1085E, G655E.
Identifiers: ClinVar variation 577729 (VCV000577729.13), dbSNP rs1562931818, ClinGen allele CA368988850.